The following is an entry in ClinVar:

ClinVar aggregate classification (germline): Pathogenic (1 of 4 stars; one submission).

Conditions:
Bloom syndrome (BLM). Also called: Bloom-Torre-Machacek syndrome. Identifiers: Orphanet 125, MedGen C0005859, MONDO:0008876, OMIM 210900.

Submission:

Labcorp Genetics (formerly Invitae), Labcorp
Classification: Pathogenic for Bloom syndrome. Last evaluated: 2023-12-12. Review status: criteria provided, single submitter. Criteria: Invitae Variant Classification Sherloc (09022015). Collection method: clinical testing. Allele origin: unknown.
Comment: This variant is a gross deletion of the genomic region encompassing exon(s) 2-17 of the BLM gene, which includes the initiator codon. This deletion extends beyond the assayed region for this gene and therefore may encompass additional genes. It is expected to result in an absent or disrupted protein product. Loss-of-function variants in BLM are known to be pathogenic (PMID: 17407155). This variant has not been reported in the literature in individuals affected with BLM-related conditions. For these reasons, this variant has been classified as Pathogenic.

Literature cited by the submitters: PubMed 17407155.

NC_000015.9:g.(?_91290623)_(91341587_?)del

Gene: BLM (BLM RecQ like helicase; plus strand). Cytogenetic location: 15q26.1.
Variant type: Deletion.
Identifiers: ClinVar variation 3243689 (VCV003243689.1).